The following is an entry in ClinVar:

ClinVar aggregate classification (germline): Uncertain significance. Review status: criteria provided, multiple submitters, no conflicts (2 of 4 stars). 3 submissions from 3 submitters: Uncertain significance (2). 1 of the submissions does not count toward it. Last evaluated 2023-07-29.

Conditions:
Intellectual disability. Also called: intellectual disabilities; Intellectual developmental disorder; Intellectual functioning disability. Identifiers: MedGen C3714756, MeSH D008607, MONDO:0001071, HP:0001249.
Jeune thoracic dystrophy. Also called: Jeune syndrome; Infantile thoracic dystrophy; Thoracic pelvic phalangeal dystrophy; Jeune's syndrome; Chondroectodermal dysplasia-like syndrome; Short-rib thoracic dysplasia. Identifiers: Orphanet 474, MedGen C0265275, MONDO:0018770.
Inborn genetic diseases. Identifiers: MedGen C0950123, MeSH D030342.

Allele frequency attached by ClinVar (database versions not stated): gnomAD 0.00011 and 0.00012; ExAC 0.00008; TOPMed 0.00011; gnomAD exomes 0.00005.
gnomAD v4.1: 179 of 1,585,942 alleles (0.011%); highest among the groups gnomAD compares: Non-Finnish European, 0.015%; no homozygotes.

Submissions (3):

Ambry Genetics
Classification: Uncertain significance for Inborn genetic diseases. Last evaluated: 2023-07-29. Review status: criteria provided, single submitter. Criteria: Ambry Variant Classification Scheme 2023. Collection method: clinical testing. Allele origin: germline.

Labcorp Genetics (formerly Invitae), Labcorp
Classification: Uncertain significance for Jeune thoracic dystrophy. Last evaluated: 2022-10-25. Review status: criteria provided, single submitter. Criteria: Invitae Variant Classification Sherloc (09022015). Collection method: clinical testing. Allele origin: germline.
Comment: This sequence change replaces arginine, which is basic and polar, with glutamine, which is neutral and polar, at codon 3349 of the DYNC2H1 protein (p.Arg3349Gln). The frequency data for this variant in the population databases is considered unreliable, as metrics indicate poor data quality at this position in the gnomAD database. This variant has not been reported in the literature in individuals affected with DYNC2H1-related conditions. ClinVar contains an entry for this variant (Variation ID: 975385). Advanced modeling of protein sequence and biophysical properties (such as structural, functional, and spatial information, amino acid conservation, physicochemical variation, residue mobility, and thermodynamic stability) performed at Invitae indicates that this missense variant is not expected to disrupt DYNC2H1 protein function. In summary, the available evidence is currently insufficient to determine the role of this variant in disease. Therefore, it has been classified as a Variant of Uncertain Significance.

Centre de Biologie Pathologie Génétique, Centre Hospitalier Universitaire de Lille
Classification: Likely benign for Intellectual disability. Last evaluated: 2019-01-01. Review status: no assertion criteria provided. Collection method: clinical testing. Allele origin: inherited. Affected: yes. Not counted in ClinVar's aggregate classification.

NM_001377.3(DYNC2H1):c.10025G>A (p.Arg3342Gln)

Gene: DYNC2H1 (dynein cytoplasmic 2 heavy chain 1; plus strand). Cytogenetic location: 11q22.3.
Variant type: single nucleotide variant.
Coding change: c.10025G>A on transcript NM_001377.3 (MANE Select); coding-DNA position 10025, G replaced by A.
Protein change: p.Arg3342Gln; replaces arginine 3342 with glutamine.
Molecular consequence: missense variant.
Genome position (GRCh38, 1-based): chr11:103,245,357, G>A. VCF-style: chr11-103245357-G-A. GRCh37 (hg19) VCF-style: chr11-103116086-G-A.
Other names: c.10046G>A, p.Arg3349Gln (NM_001080463.2); short protein forms R3342Q, R3349Q.
Identifiers: ClinVar variation 975385 (VCV000975385.5), dbSNP rs755136217, ClinGen allele CA6254848.